The following is an entry in ClinVar:

ClinVar aggregate classification (germline): Uncertain significance (1 of 4 stars; one submission).

Submission:

GeneDx
Classification: Uncertain significance. Last evaluated: 2025-07-02. Review status: criteria provided, single submitter. Criteria: GeneDx Variant Classification Process June 2021. Collection method: clinical testing. Allele origin: germline. Affected: yes.
Comment: Not observed at significant frequency in large population cohorts (gnomAD); In silico analysis supports that this missense variant has a deleterious effect on protein structure/function; Has not been previously published as pathogenic or benign to our knowledge

NM_014915.3(ANKRD26):c.1396T>C (p.Ser466Pro)

Gene: ANKRD26 (ankyrin repeat domain 26; minus strand). Cytogenetic location: 10p12.1.
Variant type: single nucleotide variant.
Coding change: c.1396T>C on transcript NM_014915.3 (MANE Select); coding-DNA position 1396, T replaced by C.
Protein change: p.Ser466Pro; replaces serine 466 with proline.
Molecular consequence: missense variant.
Genome position (GRCh38, 1-based): chr10:27,061,210, A>G on the plus strand (T>C on the coding strand, the complement: ANKRD26 is on the minus strand). VCF-style: chr10-27061210-A-G. GRCh37 (hg19) VCF-style: chr10-27350139-A-G.
Other names: c.1396T>C, p.Ser466Pro (NM_001256053.2); short protein forms S466P.
Identifiers: ClinVar variation 4681114 (VCV004681114.1).